The following is an entry in ClinVar:

ClinVar aggregate classification (germline): Pathogenic. Review status: criteria provided, multiple submitters, no conflicts (2 of 4 stars). 4 submissions from 4 submitters: Pathogenic (4). Last evaluated 2025-01-17.

Conditions:
Sandhoff disease. Also called: HEXOSAMINIDASES A AND B DEFICIENCY; Beta-hexosaminidase-beta-subunit deficiency; GM2 gangliosidosis, type 2; Total hexosaminidase deficiency; Sandhoff-Jatzkewitz-Pilz disease; GM2-GANGLIOSIDOSIS, TYPE II. Identifiers: Orphanet 796, MedGen C0036161, MONDO:0010006, OMIM 268800.

gnomAD v4.1: 1 of 1,547,346 alleles (0.000065%); highest among the groups gnomAD compares: Non-Finnish European, 0.000087%; no homozygotes.

Submissions (4):

Natera, Inc.
Classification: Pathogenic for Sandhoff disease. Last evaluated: 2025-01-17. Review status: criteria provided, single submitter. Criteria: Natera Variant Classification Schema (03/2026). Collection method: clinical testing. Allele origin: germline.
Comment: The c.298C>T variant in HEXB is a nonsense variant predicted to introduce a stop codon at amino acid 100. This variant is expected to result in nonsense mediated decay, truncation, or a dysfunctional protein product. This variant is rare in the general population with a frequency below the threshold expected for the associated phenotype(s). This variant has been observed in one or more individuals affected with the associated recessive disease, as either homozygous or compound heterozygous with a second variant (PMID: 26582265). Given the available evidence, this variant is classified as Pathogenic.

Labcorp Genetics (formerly Invitae), Labcorp
Classification: Pathogenic for Sandhoff disease. Last evaluated: 2022-02-25. Review status: criteria provided, single submitter. Criteria: Invitae Variant Classification Sherloc (09022015). Collection method: clinical testing. Allele origin: germline.
Comment: This sequence change creates a premature translational stop signal (p.Arg100*) in the HEXB gene. It is expected to result in an absent or disrupted protein product. Loss-of-function variants in HEXB are known to be pathogenic (PMID: 7550345, 18758829). This variant is not present in population databases (gnomAD no frequency). For these reasons, this variant has been classified as Pathogenic. ClinVar contains an entry for this variant (Variation ID: 623479). This premature translational stop signal has been observed in individual(s) with Sandhoff disease (PMID: 26582265).

Foundation for Research in Genetics and Endocrinology, FRIGE's Institute of Human Genetics
Classification: Pathogenic for Sandhoff disease. Last evaluated: 2019-03-12. Review status: criteria provided, single submitter. Criteria: ACMG Guidelines, 2015. Collection method: clinical testing. Allele origin: germline. Inheritance: Autosomal recessive inheritance. Affected: yes. Observed: 1 homozygote.
Comment: The R100X variant in the HEXB gene has been reported in 2 Indian patients with autosomal recessive Sandhoff disease (Tamhankar et al 2015) and is absent in the gnomAD database. Furthermore, nonsense mutations affecting HEXB gene is a known disease mechanism for Sandhoff disease and the R100X variant has been predicted to be pathogenic in silico by DANN, GERP, LRT and MutationTaster. In summary, the R100X variant meets the ACMG criteria to be classified as pathogenic based upon literature, absence from controls and computational evidence.

Baylor Genetics
Classification: Pathogenic for Sandhoff disease. Review status: criteria provided, single submitter. Criteria: ACMG Guidelines, 2015. Collection method: clinical testing. Allele origin: germline.

Literature cited by the submitters: PubMed 26582265 (cited by Natera, Inc. and Labcorp Genetics (formerly Invitae), Labcorp); PubMed 7550345 (cited by Labcorp Genetics (formerly Invitae), Labcorp); PubMed 18758829 (cited by Labcorp Genetics (formerly Invitae), Labcorp).

NM_000521.4(HEXB):c.298C>T (p.Arg100Ter)

Gene: HEXB (hexosaminidase subunit beta; plus strand). Cytogenetic location: 5q13.3.
Variant type: single nucleotide variant.
Coding change: c.298C>T on transcript NM_000521.4 (MANE Select); coding-DNA position 298, C replaced by T.
Protein change: p.Arg100Ter; replaces arginine 100 with a stop codon.
Molecular consequence: nonsense. On other transcripts: intron variant (1).
Genome position (GRCh38, 1-based): chr5:74,685,558, C>T. VCF-style: chr5-74685558-C-T. GRCh37 (hg19) VCF-style: chr5-73981383-C-T.
Other names: c.-376-3770C>T (NM_001292004.2); c.298C>T (NM_000521.3); short protein forms R100*.
Identifiers: ClinVar variation 623479 (VCV000623479.10), dbSNP rs1007338250, ClinGen allele CA360062554.